The following is an entry in ClinVar:

NC_000017.10:g.(?_17124841)_(17125985_?)del

Gene: FLCN (folliculin; minus strand). Cytogenetic location: 17p11.2.
Variant type: Deletion.
Identifiers: ClinVar variation 1075380 (VCV001075380.3).

ClinVar aggregate classification (germline): Pathogenic (1 of 4 stars; one submission).

Conditions:
Birt-Hogg-Dube syndrome. Also called: Birt Hogg Dubé syndrome. Identifiers: Orphanet 122, MedGen C0346010, MONDO:0800444.

Submission:

Labcorp Genetics (formerly Invitae), Labcorp
Classification: Pathogenic for Birt-Hogg-Dube syndrome. Last evaluated: 2022-08-27. Review status: criteria provided, single submitter. Criteria: Invitae Variant Classification Sherloc (09022015). Collection method: clinical testing. Allele origin: germline.
Comment: For these reasons, this variant has been classified as Pathogenic. This variant has not been reported in the literature in individuals affected with FLCN-related conditions. This variant is a gross deletion of the genomic region encompassing exon(s) 7-8 of the FLCN gene. This deletion is out-of-frame, and is expected to create a premature termination codon and result in an absent or disrupted protein product. Loss-of-function variants in FLCN are known to be pathogenic (PMID: 15852235).

Literature cited by the submitters: PubMed 15852235.